The following is an entry in ClinVar:

NM_017588.3(WDR5):c.479C>T (p.Thr160Ile)

Gene: WDR5 (WD repeat domain 5; plus strand). Cytogenetic location: 9q34.2.
Variant type: single nucleotide variant.
Coding change: c.479C>T on transcript NM_017588.3 (MANE Select); coding-DNA position 479, C replaced by T.
Protein change: p.Thr160Ile; replaces threonine 160 with isoleucine.
Molecular consequence: missense variant.
Genome position (GRCh38, 1-based): chr9:134,142,670, C>T. VCF-style: chr9-134142670-C-T. GRCh37 (hg19) VCF-style: chr9-137007792-C-T.
Other names: c.479C>T, p.Thr160Ile (NM_001384409.1, NM_001384410.1, NM_001384411.1 and 6 more transcripts); c.470C>T, p.Thr157Ile (NM_001384417.1); c.350C>T, p.Thr117Ile (NM_001384418.1, NM_001384419.1); short protein forms T117I, T157I, T160I.
Identifiers: ClinVar variation 3363885 (VCV003363885.2).

ClinVar aggregate classification (germline): Uncertain significance (1 of 4 stars; one submission).

Submission:

GeneDx
Classification: Uncertain significance. Last evaluated: 2026-02-04. Review status: criteria provided, single submitter. Criteria: GeneDx Variant Classification Process June 2021. Collection method: clinical testing. Allele origin: germline.
Comment: Not observed at significant frequency in large population cohorts (gnomAD); In silico analysis supports that this missense variant has a deleterious effect on protein structure/function; Has not been previously published as pathogenic or benign to our knowledge